The following is an entry in ClinVar:

ClinVar aggregate classification (germline): Uncertain significance (1 of 4 stars; one submission).

Conditions:
Neuronopathy, distal hereditary motor, autosomal recessive 5. Also called: NEUROPATHY, DISTAL HEREDITARY MOTOR, AUTOSOMAL RECESSIVE 5; Spinal muscular atrophy, distal, autosomal recessive, 5; Young adult-onset distal hereditary motor neuropathy. Identifiers: Orphanet 314485, Orphanet 443950, MedGen C4749918, MONDO:0013947, OMIM 614881.

Allele frequency attached by ClinVar (database versions not stated): gnomAD exomes below 0.00001 and 0.00002.
gnomAD v4.1: 25 of 1,614,230 alleles (0.0015%); highest among the groups gnomAD compares: Middle Eastern, 0.016%; no homozygotes.

Submission:

Labcorp Genetics (formerly Invitae), Labcorp
Classification: Uncertain significance for Neuronopathy, distal hereditary motor, autosomal recessive 5. Last evaluated: 2025-08-18. Review status: criteria provided, single submitter. Criteria: Invitae Variant Classification Sherloc (09022015). Collection method: clinical testing. Allele origin: germline.
Comment: This sequence change replaces arginine, which is basic and polar, with cysteine, which is neutral and slightly polar, at codon 177 of the DNAJB2 protein (p.Arg177Cys). This variant is present in population databases (no rsID available, gnomAD 0.003%). This variant has not been reported in the literature in individuals affected with DNAJB2-related conditions. ClinVar contains an entry for this variant (Variation ID: 569649). Invitae Evidence Modeling of protein sequence and biophysical properties (such as structural, functional, and spatial information, amino acid conservation, physicochemical variation, residue mobility, and thermodynamic stability) indicates that this missense variant is not expected to disrupt DNAJB2 protein function with a negative predictive value of 80%. In summary, the available evidence is currently insufficient to determine the role of this variant in disease. Therefore, it has been classified as a Variant of Uncertain Significance.

NM_006736.6(DNAJB2):c.529C>T (p.Arg177Cys)

Gene: DNAJB2 (DnaJ heat shock protein family (Hsp40) member B2; plus strand). Cytogenetic location: 2q35.
Variant type: single nucleotide variant.
Coding change: c.529C>T on transcript NM_006736.6 (MANE Select); coding-DNA position 529, C replaced by T.
Protein change: p.Arg177Cys; replaces arginine 177 with cysteine.
Molecular consequence: missense variant.
Genome position (GRCh38, 1-based): chr2:219,283,216, C>T. VCF-style: chr2-219283216-C-T. GRCh37 (hg19) VCF-style: chr2-220147938-C-T.
Other names: c.529C>T, p.Arg177Cys (NM_001039550.2); short protein forms R177C.
Identifiers: ClinVar variation 569649 (VCV000569649.7), dbSNP rs1415279774, ClinGen allele CA350650515.